The following is an entry in ClinVar:

ClinVar aggregate classification (germline): Pathogenic/Likely pathogenic. Review status: criteria provided, multiple submitters, no conflicts (2 of 4 stars). 2 submissions from 2 submitters: Pathogenic (1); Likely pathogenic (1). Last evaluated 2025-03-20.

Conditions:
NF1-related disorder. Also called: NF1-related condition. Identifiers: MedGen CN379171.
Neurofibromatosis, type 1 (NF1). Also called: VON RECKLINGHAUSEN DISEASE; NEUROFIBROMATOSIS, TYPE I, SOMATIC; Peripheral type neurofibromatosis; Neurofibromatosis, type I. Identifiers: Orphanet 636, MedGen C0027831, MONDO:0018975, OMIM 162200. Disease mechanism: loss of function.

Submissions (2):

Labcorp Genetics (formerly Invitae), Labcorp
Classification: Pathogenic for Neurofibromatosis, type 1. Last evaluated: 2025-03-20. Review status: criteria provided, single submitter. Criteria: Invitae Variant Classification Sherloc (09022015). Collection method: clinical testing. Allele origin: germline.
Comment: This sequence change replaces lysine, which is basic and polar, with asparagine, which is neutral and polar, at codon 395 of the NF1 protein (p.Lys395Asn). This variant also falls at the last nucleotide of exon 10, which is part of the consensus splice site for this exon. This variant is not present in population databases (gnomAD no frequency). This missense change has been observed in individual(s) with clinical features of neurofibromatosis type 1 (PMID: 1370276; internal data). ClinVar contains an entry for this variant (Variation ID: 2631585). An algorithm developed to predict the effect of missense changes on protein structure and function (PolyPhen-2) suggests that this variant is likely to be disruptive. Variants that disrupt the consensus splice site are a relatively common cause of aberrant splicing (PMID: 17576681, 9536098). Algorithms developed to predict the effect of sequence changes on RNA splicing suggest that this variant may disrupt the consensus splice site. This variant disrupts the c.1185G nucleotide in the NF1 gene. Other variant(s) that disrupt this nucleotide have been determined to be pathogenic (PMID: 22034633, 24789688; internal data). This suggests that this nucleotide is clinically significant, and that variants that disrupt this position are likely to be disease-causing. For these reasons, this variant has been classified as Pathogenic.

PreventionGenetics, part of Exact Sciences
Classification: Likely pathogenic for NF1-related condition. Last evaluated: 2023-08-01. Review status: criteria provided, single submitter. Criteria: ACMG Guidelines, 2015. Collection method: clinical testing. Allele origin: germline.
Comment: The NF1 c.1185G>T variant is predicted to result in the amino acid substitution p.Lys395Asn. This variant is located at the last nucleotide of the exon and is predicted to weaken the canonical splice site (Alamut Visual Plus v1.6.1). This variant was reported in an individual with neurofibromatosis type 1 and splicing studies found the variant results in exon skipping and is predicted to result in an inframe deletion of the exon (p.Asn335_Lys395del) (Table A1, Giugliano et al. 2019. PubMed ID: 31370276). This variant has not been reported in a large population database, indicating this variant is rare. Additionally, other substitutions affecting this nucleotide (c.1185G>A and c.1185G>C) have been reported to be pathogenic (Human Gene Mutation Database). This variant is interpreted as likely pathogenic.

Literature cited by the submitters: PubMed 1370276 (cited by Labcorp Genetics (formerly Invitae), Labcorp); PubMed 17576681 (cited by Labcorp Genetics (formerly Invitae), Labcorp); PubMed 9536098 (cited by Labcorp Genetics (formerly Invitae), Labcorp); PubMed 22034633 (cited by Labcorp Genetics (formerly Invitae), Labcorp); PubMed 24789688 (cited by Labcorp Genetics (formerly Invitae), Labcorp).

NM_001042492.3(NF1):c.1185G>T (p.Lys395Asn)

Gene: NF1 (neurofibromin 1; plus strand). Cytogenetic location: 17q11.2.
Variant type: single nucleotide variant.
Coding change: c.1185G>T on transcript NM_001042492.3 (MANE Select); coding-DNA position 1185, G replaced by T.
Protein change: p.Lys395Asn; replaces lysine 395 with asparagine.
Molecular consequence: missense variant.
Genome position (GRCh38, 1-based): chr17:31,201,159, G>T. VCF-style: chr17-31201159-G-T. GRCh37 (hg19) VCF-style: chr17-29528177-G-T.
Other names: c.1185G>T, p.Lys395Asn (NM_000267.4, NM_001128147.3); short protein forms K395N.
Identifiers: ClinVar variation 2631585 (VCV002631585.4), dbSNP rs1567835847, ClinGen allele CA398997359.